The following is an entry in ClinVar:

NM_002485.5(NBN):c.1208T>C (p.Val403Ala)

Gene: NBN (nibrin; minus strand). Cytogenetic location: 8q21.3.
Variant type: single nucleotide variant.
Coding change: c.1208T>C on transcript NM_002485.5 (MANE Select); coding-DNA position 1208, T replaced by C.
Protein change: p.Val403Ala; replaces valine 403 with alanine.
Molecular consequence: missense variant.
Genome position (GRCh38, 1-based): chr8:89,955,472, A>G on the plus strand (T>C on the coding strand, the complement: NBN is on the minus strand). VCF-style: chr8-89955472-A-G. GRCh37 (hg19) VCF-style: chr8-90967700-A-G.
Other names: c.962T>C, p.Val321Ala (NM_001024688.3); short protein forms V403A, V321A.
Identifiers: ClinVar variation 480048 (VCV000480048.5), dbSNP rs1554559273, ClinGen allele CA371656359.
Genomic context (GRCh38, chr8:89,955,472, plus strand): 5'-TTAGCCAAAGTATTTGATACCATACTATTATTATTAGAGCTTGTTTTGCAGGACTCCTTT[A>G]CAGTGGGTGCATCTTGTGAAAGCATTCTGAATTTTTGTTCCATTTTGGAGACTTTGATTT-3'
Protein context (NP_002476.2, residues 393-413): FRMLSQDAPT[Val403Ala]KESCKTSSNN

ClinVar aggregate classification (germline): Uncertain significance (1 of 4 stars; one submission).

Conditions:
Hereditary cancer-predisposing syndrome. Also called: Hereditary Cancer Syndrome; Neoplastic Syndromes, Hereditary; Tumor predisposition; Hereditary neoplastic syndrome. Identifiers: Orphanet 140162, MedGen C0027672, MeSH D009386, MONDO:0015356.

Submission:

Ambry Genetics
Classification: Uncertain significance for Hereditary cancer-predisposing syndrome. Last evaluated: 2016-08-08. Review status: criteria provided, single submitter. Criteria: Ambry Variant Classification Scheme 2023. Collection method: clinical testing. Allele origin: germline.
Comment: The p.V403A variant (also known as c.1208T>C), located in coding exon 10 of the NBN gene, results from a T to C substitution at nucleotide position 1208. The valine at codon 403 is replaced by alanine, an amino acid with similar properties. This variant was not reported in population based cohorts in the following databases: Database of Single Nucleotide Polymorphisms (dbSNP), NHLBI Exome Sequencing Project (ESP), and 1000 Genomes Project. In the ESP, this variant was not observed in 6503 samples (13006 alleles) with coverage at this position. To date, this alteration has been detected with an allele frequency of approximately 0.001% (greater than 175000 alleles tested) in our clinical cohort. This amino acid position is poorly conserved in available vertebrate species. In addition, this alteration is predicted to be tolerated by in silico analysis. Since supporting evidence is limited at this time, the clinical significance of this alteration remains unclear.